The following is an entry in ClinVar:

ClinVar aggregate classification (germline): Benign. Review status: criteria provided, single submitter (1 of 4 stars). 2 submissions from 2 submitters: Benign (1). 1 of the submissions does not count toward it. Last evaluated 2023-07-07.

Conditions:
Rubinstein-Taybi syndrome due to EP300 haploinsufficiency. Also called: EP300-Related Rubinstein-Taybi Syndrome; RUBINSTEIN-TAYBI SYNDROME 2. Identifiers: Orphanet 353284, Orphanet 783, MedGen C3150941, MONDO:0013364, OMIM 613684.
EP300-related disorder. Also called: EP300-related condition; EP300-related disorders.

Allele frequency attached by ClinVar (database versions not stated): gnomAD exomes below 0.00001; TOPMed below 0.00001; ExAC 0.00001.
gnomAD v4.1: 6 of 1,614,162 alleles (0.00037%); highest among the groups gnomAD compares: Admixed American, 0.0033%; no homozygotes.

Submissions (2):

Labcorp Genetics (formerly Invitae), Labcorp
Classification: Benign for Rubinstein-Taybi syndrome due to EP300 haploinsufficiency. Last evaluated: 2023-07-07. Review status: criteria provided, single submitter. Criteria: Invitae Variant Classification Sherloc (09022015). Collection method: clinical testing. Allele origin: germline.

PreventionGenetics, part of Exact Sciences
Classification: Likely benign for EP300-related condition. Last evaluated: 2024-08-28. Review status: no assertion criteria provided. Collection method: clinical testing. Allele origin: germline. Not counted in ClinVar's aggregate classification.
Comment: This variant is classified as likely benign based on ACMG/AMP sequence variant interpretation guidelines (Richards et al. 2015 PMID: 25741868, with internal and published modifications).

NM_001429.4(EP300):c.7074C>T (p.Pro2358=)

Gene: EP300 (EP300 lysine acetyltransferase; plus strand). Cytogenetic location: 22q13.2.
Variant type: single nucleotide variant.
Coding change: c.7074C>T on transcript NM_001429.4 (MANE Select); coding-DNA position 7074, C replaced by T.
Protein change: p.Pro2358=; no amino-acid change (proline 2358 retained).
Molecular consequence: synonymous variant.
Genome position (GRCh38, 1-based): chr22:41,178,785, C>T. VCF-style: chr22-41178785-C-T. GRCh37 (hg19) VCF-style: chr22-41574789-C-T.
Other names: c.6996C>T, p.Pro2332= (NM_001362843.2); c.7074C>T (NM_001429.3).
Identifiers: ClinVar variation 1937968 (VCV001937968.6), dbSNP rs755615658, ClinGen allele CA10254027.